The following is an entry in ClinVar:

ClinVar aggregate classification (germline): Uncertain significance (1 of 4 stars; one submission).

Conditions:
Leigh syndrome (NULS). Also called: Leigh's necrotizing encephalopathy; Leigh's disease; Leigh Syndrome (mtDNA deletion); Leigh Disease; Subacute necrotizing encephalopathy; Necrotizing encephalopathy infantile subacute of Leigh. Identifiers: Orphanet 506, MedGen C2931891, MONDO:0009723, OMIM 256000.

Submission:

Wong Mito Lab, Molecular and Human Genetics, Baylor College of Medicine
Classification: Uncertain significance for Leigh syndrome. Last evaluated: 2019-10-17. Review status: criteria provided, single submitter. Criteria: Modified ACMG Guidelines (Unpublished). Collection method: clinical testing. Allele origin: germline.
Comment: The NC_012920.1:m.8623A>T (YP_003024031.1:p.Thr33Ser) variant in MTATP6 gene is interpretated to be a Uncertain Significance variant based on the modified ACMG guidelines (unpublished). This variant meets the following evidence codes: PP7, BP4

NC_012920.1(MT-ATP6):m.8623A>T

Gene: MT-ATP6 (mitochondrially encoded ATP synthase 6; plus strand).
Variant type: single nucleotide variant.
Genome position: chrM-8623-A-T.
Identifiers: ClinVar variation 692930 (VCV000692930.1), dbSNP rs1603221645, ClinGen allele CA414797002.